The following is an entry in ClinVar:

ClinVar aggregate classification (germline): Likely benign (1 of 4 stars; one submission).

Allele frequency attached by ClinVar (database versions not stated): gnomAD 0.00001.
gnomAD v4.1: 1 of 1,612,284 alleles (0.000062%); highest among the groups gnomAD compares: African/African-American, 0.0013%; no homozygotes.

Submission:

GeneDx
Classification: Likely benign. Last evaluated: 2018-01-25. Review status: criteria provided, single submitter. Criteria: GeneDx Variant Classification (06012015). Collection method: clinical testing. Allele origin: germline. Affected: yes.
Comment: This variant is considered likely benign or benign based on one or more of the following criteria: it is a conservative change, it occurs at a poorly conserved position in the protein, it is predicted to be benign by multiple in silico algorithms, and/or has population frequency not consistent with disease.

NM_001040142.2(SCN2A):c.605+13A>G

Gene: SCN2A (sodium voltage-gated channel alpha subunit 2; plus strand). Cytogenetic location: 2q24.3.
Variant type: single nucleotide variant.
Coding change: c.605+13A>G on transcript NM_001040142.2 (MANE Select); 13 bases into the intron after coding-DNA position 605, A replaced by G.
Molecular consequence: intron variant.
Genome position (GRCh38, 1-based): chr2:165,308,807, A>G. VCF-style: chr2-165308807-A-G. GRCh37 (hg19) VCF-style: chr2-166165317-A-G.
Other names: c.605+13A>G (NM_001040143.2, NM_001371246.1, NM_001371247.1 and 1 more transcripts).
Identifiers: ClinVar variation 514872 (VCV000514872.1), dbSNP rs1553567417, ClinGen allele CA658795944.
Genomic context (GRCh38, chr2:165,308,807, plus strand): 5'-TTTACGGGATCCATGGAATTGGTTGGATTTCACAGTCATTACTTTTGCGTAAGTATCTTA[A>G]TACATTTTCTATCCTGGAAGAGTAAATCACTGGTGGGAGCCTATACTATATTTTCCTTGG-3'